The following is an entry in ClinVar:

NM_021067.5(GINS1):c.404A>G (p.Asp135Gly)

Gene: GINS1 (GINS complex subunit 1; plus strand). Cytogenetic location: 20p11.21.
Variant type: single nucleotide variant.
Coding change: c.404A>G on transcript NM_021067.5 (MANE Select); coding-DNA position 404, A replaced by G.
Protein change: p.Asp135Gly; replaces aspartic acid 135 with glycine.
Molecular consequence: missense variant. On other transcripts: non-coding transcript variant (1).
Genome position (GRCh38, 1-based): chr20:25,425,284, A>G. VCF-style: chr20-25425284-A-G. GRCh37 (hg19) VCF-style: chr20-25405920-A-G.
Other names: short protein forms D135G.
Identifiers: ClinVar variation 1404797 (VCV001404797.8), dbSNP rs2146206396, ClinGen allele CA408448967.

ClinVar aggregate classification (germline): Uncertain significance (1 of 4 stars; one submission).

Submission:

Labcorp Genetics (formerly Invitae), Labcorp
Classification: Uncertain significance. Last evaluated: 2022-06-20. Review status: criteria provided, single submitter. Criteria: Invitae Variant Classification Sherloc (09022015). Collection method: clinical testing. Allele origin: germline.
Comment: In summary, the available evidence is currently insufficient to determine the role of this variant in disease. Therefore, it has been classified as a Variant of Uncertain Significance. Algorithms developed to predict the effect of missense changes on protein structure and function are either unavailable or do not agree on the potential impact of this missense change (SIFT: "Not Available"; PolyPhen-2: "Probably Damaging"; Align-GVGD: "Not Available"). This variant has not been reported in the literature in individuals affected with GINS1-related conditions. This variant is not present in population databases (gnomAD no frequency). This sequence change replaces aspartic acid with glycine at codon 135 of the GINS1 protein (p.Asp135Gly). The aspartic acid residue is highly conserved and there is a moderate physicochemical difference between aspartic acid and glycine.